The following is an entry in ClinVar:

NM_207346.3(TSEN54):c.302_317del (p.Thr101fs)

Gene: TSEN54 (tRNA splicing endonuclease subunit 54; plus strand). Cytogenetic location: 17q25.1.
Variant type: Deletion.
Coding change: c.302_317del on transcript NM_207346.3 (MANE Select); coding-DNA positions 302 to 317, 16 bases deleted (CCATGGGCTTCTCAGA).
Protein change: p.Thr101fs; shifts the reading frame from threonine 101.
Molecular consequence: frameshift variant.
Genome position (GRCh38, 1-based): chr17:75,517,177-75,517,192, CCATGGGCTTCTCAGA deleted; deleting any 16 consecutive bases within chr17:75,517,173-75,517,192 gives the same sequence; the c. name uses the placement nearest the transcript's 3' end. VCF-style (leftmost placement, unchanged base first): chr17-75517172-GCAGACCATGGGCTTCT-G. GRCh37 (hg19) VCF-style: chr17-73513253-GCAGACCATGGGCTTCT-G.
Other names: short protein forms T101fs.
Identifiers: ClinVar variation 2831248 (VCV002831248.3), dbSNP rs2546151816, ClinGen allele CA2739268370.

ClinVar aggregate classification (germline): Pathogenic (1 of 4 stars; one submission).

Submission:

Labcorp Genetics (formerly Invitae), Labcorp
Classification: Pathogenic. Last evaluated: 2023-01-23. Review status: criteria provided, single submitter. Criteria: Invitae Variant Classification Sherloc (09022015). Collection method: clinical testing. Allele origin: germline.
Comment: For these reasons, this variant has been classified as Pathogenic. This variant has not been reported in the literature in individuals affected with TSEN54-related conditions. This variant is not present in population databases (gnomAD no frequency). This sequence change creates a premature translational stop signal (p.Thr101Serfs*40) in the TSEN54 gene. It is expected to result in an absent or disrupted protein product. Loss-of-function variants in TSEN54 are known to be pathogenic (PMID: 18711368, 20952379).

Literature cited by the submitters: PubMed 18711368; PubMed 20952379.